The following is an entry in ClinVar:

ClinVar aggregate classification (germline): Likely benign (0 of 4 stars; one submission).

Conditions:
CUL9-related disorder. Also called: CUL9-related condition.

Allele frequency attached by ClinVar (database versions not stated): ExAC 0.00038; gnomAD 0.00125; TOPMed 0.00135; ESP Exome Variant Server 0.00185; 1000 Genomes Project 0.00200; 1000 Genomes Project 30x 0.00203.

Submission:

PreventionGenetics, part of Exact Sciences
Classification: Likely benign for CUL9-related condition. Last evaluated: 2019-09-18. Review status: no assertion criteria provided. Collection method: clinical testing. Allele origin: germline.
Comment: This variant is classified as likely benign based on ACMG/AMP sequence variant interpretation guidelines (Richards et al. 2015 PMID: 25741868, with internal and published modifications).

NM_015089.4(CUL9):c.1449C>T (p.Pro483=)

Genes: CUL9 (cullin 9; plus strand), LOC126859676 (MED14-independent group 3 enhancer GRCh37_chr6:43154118-43155317; plus strand). Cytogenetic location: 6p21.1.
Variant type: single nucleotide variant.
Coding change: c.1449C>T on transcript NM_015089.4 (MANE Select); coding-DNA position 1449, C replaced by T.
Protein change: p.Pro483=; no amino-acid change (proline 483 retained).
Molecular consequence: synonymous variant.
Genome position (GRCh38, 1-based): chr6:43,187,307, C>T. VCF-style: chr6-43187307-C-T. GRCh37 (hg19) VCF-style: chr6-43155045-C-T.
Identifiers: ClinVar variation 3040993 (VCV003040993.2), dbSNP rs61739541, ClinGen allele CA3817318.
Genomic context (GRCh38, chr6:43,187,307, plus strand): 5'-ATTTCCCTCCTGGGACTGGAATCCTATGGATGGGCTGTACCCTTTGCCGTACCTCCAGCC[C>T]GAACCTCAGAAGAATGAGAGAGTGGGATATCTGACCCAGGCTGAATGGTGGGAGCTGCTT-3'
Protein context (NP_055904.1, residues 473-493): DGLYPLPYLQ[Pro483=]EPQKNERVGY